The following is an entry in ClinVar:

NM_001330.5(CTF1):c.179G>C (p.Ser60Thr)

Genes: CTF1 (cardiotrophin 1; plus strand), LOC130058878 (ATAC-STARR-seq lymphoblastoid silent region 7400; plus strand). Cytogenetic location: 16p11.2.
Variant type: single nucleotide variant.
Coding change: c.179G>C on transcript NM_001330.5 (MANE Select); coding-DNA position 179, G replaced by C.
Protein change: p.Ser60Thr; replaces serine 60 with threonine.
Molecular consequence: missense variant. On other transcripts: non-coding transcript variant (1).
Genome position (GRCh38, 1-based): chr16:30,902,112, G>C. VCF-style: chr16-30902112-G-C. GRCh37 (hg19) VCF-style: chr16-30913433-G-C.
Other names: c.176G>C, p.Ser59Thr (NM_001142544.3); short protein forms S59T, S60T.
Identifiers: ClinVar variation 4787931 (VCV004787931.1).

ClinVar aggregate classification (germline): Uncertain significance (1 of 4 stars; one submission).

Submission:

Labcorp Genetics (formerly Invitae), Labcorp
Classification: Uncertain significance. Last evaluated: 2025-12-24. Review status: criteria provided, single submitter. Criteria: Invitae Variant Classification Sherloc (09022015). Collection method: clinical testing. Allele origin: germline.
Comment: This sequence change replaces serine, which is neutral and polar, with threonine, which is neutral and polar, at codon 60 of the CTF1 protein (p.Ser60Thr). This variant is present in population databases (no rsID available, gnomAD 0.01%). This variant has not been reported in the literature in individuals affected with CTF1-related conditions. An algorithm developed to predict the effect of missense changes on protein structure and function (PolyPhen-2) suggests that this variant is likely to be tolerated. In summary, the available evidence is currently insufficient to determine the role of this variant in disease. Therefore, it has been classified as a Variant of Uncertain Significance.